The following is an entry in ClinVar:

NM_001364171.2(ODAD1):c.1405-2A>G

Gene: ODAD1 (outer dynein arm docking complex subunit 1; minus strand). Cytogenetic location: 19q13.33.
Variant type: single nucleotide variant.
Coding change: c.1405-2A>G on transcript NM_001364171.2 (MANE Select); the canonical splice acceptor site of the intron before coding-DNA position 1405, A replaced by G.
Molecular consequence: splice acceptor variant.
Genome position (GRCh38, 1-based): chr19:48,298,099, T>C on the plus strand (A>G on the coding strand, the complement: ODAD1 is on the minus strand). VCF-style: chr19-48298099-T-C. GRCh37 (hg19) VCF-style: chr19-48801356-T-C.
Other names: c.1294-2A>G (NM_144577.4).
Identifiers: ClinVar variation 4734553 (VCV004734553.1).

ClinVar aggregate classification (germline): Likely pathogenic (1 of 4 stars; one submission).

Conditions:
Primary ciliary dyskinesia. Also called: Ciliary dyskinesia. Identifiers: Orphanet 244, MedGen C0008780, MONDO:0016575, HP:0012265.

Submission:

Labcorp Genetics (formerly Invitae), Labcorp
Classification: Likely pathogenic for Primary ciliary dyskinesia. Last evaluated: 2026-01-08. Review status: criteria provided, single submitter. Criteria: Invitae Variant Classification Sherloc (09022015). Collection method: clinical testing. Allele origin: germline.
Comment: This sequence change affects an acceptor splice site in intron 11 of the CCDC114 gene. It is expected to disrupt RNA splicing. Variants that disrupt the donor or acceptor splice site typically lead to a loss of protein function (PMID: 16199547), and loss-of-function variants in CCDC114 are known to be pathogenic (PMID: 23261302, 23261303). This variant is present in population databases (rs757921685, gnomAD 0.006%). This variant has not been reported in the literature in individuals affected with CCDC114-related conditions. Algorithms developed to predict the effect of sequence changes on RNA splicing suggest that this variant may disrupt the consensus splice site. In summary, the currently available evidence indicates that the variant is pathogenic, but additional data are needed to prove that conclusively. Therefore, this variant has been classified as Likely Pathogenic.

Literature cited by the submitters: PubMed 16199547; PubMed 23261302; PubMed 23261303.